The following is an entry in ClinVar:

NM_004369.4(COL6A3):c.3270C>T (p.Asp1090=)

Gene: COL6A3 (collagen type VI alpha 3 chain; minus strand). Cytogenetic location: 2q37.3.
Variant type: single nucleotide variant.
Coding change: c.3270C>T on transcript NM_004369.4 (MANE Select); coding-DNA position 3270, C replaced by T.
Protein change: p.Asp1090=; no amino-acid change (aspartic acid 1090 retained).
Molecular consequence: synonymous variant.
Genome position (GRCh38, 1-based): chr2:237,374,821, G>A on the plus strand (C>T on the coding strand, the complement: COL6A3 is on the minus strand). VCF-style: chr2-237374821-G-A. GRCh37 (hg19) VCF-style: chr2-238283464-G-A.
Other names: p.Asp1090=; c.2049C>T, p.Asp683= (NM_057164.5); c.2652C>T, p.Asp884= (NM_057165.5, NM_057167.4); c.1449C>T, p.Asp483= (NM_057166.5).
Identifiers: ClinVar variation 166946 (VCV000166946.66), dbSNP rs113781746, ClinGen allele CA179924.

ClinVar aggregate classification (germline): Benign/Likely benign. Review status: criteria provided, multiple submitters, no conflicts (2 of 4 stars). 10 submissions from 10 submitters: Benign (2); Likely benign (6). 2 of the submissions do not count toward it. Last evaluated 2026-07-01.

Conditions:
Collagen 6-related myopathy. Identifiers: MedGen CN117976, MONDO:0100225.
Bethlem myopathy 1A. Also called: Bethlem Muscular Dystrophy; MYOPATHY, BENIGN CONGENITAL, WITH CONTRACTURES; Bethlem myopathy 1. Identifiers: Orphanet 610, MedGen CN029274, MONDO:0024530, OMIM 158810.

Allele frequency attached by ClinVar (database versions not stated): ESP Exome Variant Server 0.00115; TOPMed 0.00139; gnomAD 0.00160 and 0.00178; gnomAD exomes 0.00166 and 0.00213; ExAC 0.00175; 1000 Genomes Project 0.00180; 1000 Genomes Project 30x 0.00187.
gnomAD v4.1: 3,360 of 1,613,998 alleles (0.21%); highest among the groups gnomAD compares: Non-Finnish European, 0.24%; 10 homozygotes.

Submissions (10):

CeGaT Center for Human Genetics Tuebingen
Classification: Likely benign. Last evaluated: 2026-07-01. Review status: criteria provided, single submitter. Criteria: CeGaT Center For Human Genetics Tuebingen Variant Classification Criteria Version 2. Collection method: clinical testing. Allele origin: germline. Affected: yes. Observed: 13 variant alleles.
Comment: COL6A3: BP4, BP7

Labcorp Genetics (formerly Invitae), Labcorp
Classification: Benign for Bethlem myopathy 1A. Last evaluated: 2026-02-01. Review status: criteria provided, single submitter. Criteria: Invitae Variant Classification Sherloc (09022015). Collection method: clinical testing. Allele origin: germline.

Blueprint Genetics
Classification: Likely benign. Last evaluated: 2024-11-25. Review status: criteria provided, single submitter. Criteria: ACMG Guidelines, 2015. Collection method: clinical testing. Allele origin: germline.

Mayo Clinic Laboratories, Mayo Clinic
Classification: Likely benign. Last evaluated: 2024-10-11. Review status: criteria provided, single submitter. Criteria: ACMG Guidelines, 2015. Collection method: clinical testing. Allele origin: germline. Observed: 3 variant alleles.
Comment: BS1, BP4, BP7

GeneDx
Classification: Likely benign. Last evaluated: 2020-06-01. Review status: criteria provided, single submitter. Criteria: GeneDx Variant Classification Process June 2021. Collection method: clinical testing. Allele origin: germline. Affected: yes.

Illumina Laboratory Services, Illumina
Classification: Benign for Collagen VI-related myopathy. Last evaluated: 2018-01-13. Review status: criteria provided, single submitter. Criteria: ICSL Variant Classification Criteria 13 December 2019. Collection method: clinical testing. Allele origin: germline.
Comment: This variant was observed in the ICSL laboratory as part of a predisposition screen in an ostensibly healthy population. It had not been previously curated by ICSL or reported in the Human Gene Mutation Database (HGMD: prior to June 1st, 2018), and was therefore a candidate for classification through an automated scoring system. Utilizing variant allele frequency, disease prevalence and penetrance estimates, and inheritance mode, an automated score was calculated to assess if this variant is too frequent to cause the disease. Based on the score and internal cut-off values, a variant classified as benign is not then subjected to further curation. The score for this variant resulted in a classification of benign for this disease.

Eurofins Ntd Llc (ga)
Classification: Likely benign. Last evaluated: 2014-03-10. Review status: criteria provided, single submitter. Criteria: EGL Classification Definitions 2015. Collection method: clinical testing. Allele origin: germline. Observed: 1 variant allele, 1 heterozygote.

PreventionGenetics, part of Exact Sciences
Classification: Likely benign. Review status: criteria provided, single submitter. Criteria: ACMG Guidelines, 2015. Collection method: clinical testing. Allele origin: germline.

Clinical Genetics DNA and cytogenetics Diagnostics Lab, Erasmus MC, Erasmus Medical Center
Classification: Likely benign. Review status: no assertion criteria provided. Collection method: clinical testing. Allele origin: germline. Affected: yes. Study: VKGL Data-share Consensus. Not counted in ClinVar's aggregate classification.

Clinical Genetics, Academic Medical Center
Classification: Likely benign. Review status: no assertion criteria provided. Collection method: clinical testing. Allele origin: germline. Affected: yes. Study: VKGL Data-share Consensus. Not counted in ClinVar's aggregate classification.